The following is an entry in ClinVar:

NM_004655.4(AXIN2):c.1526A>G (p.Gln509Arg)

Gene: AXIN2 (axin 2; minus strand). Cytogenetic location: 17q24.1.
Variant type: single nucleotide variant.
Coding change: c.1526A>G on transcript NM_004655.4 (MANE Select); coding-DNA position 1526, A replaced by G.
Protein change: p.Gln509Arg; replaces glutamine 509 with arginine.
Molecular consequence: missense variant.
Genome position (GRCh38, 1-based): chr17:65,537,510, T>C on the plus strand (A>G on the coding strand, the complement: AXIN2 is on the minus strand). VCF-style: chr17-65537510-T-C. GRCh37 (hg19) VCF-style: chr17-63533628-T-C.
Other names: c.1526A>G, p.Gln509Arg (NM_001363813.1); short protein forms Q509R.
Identifiers: ClinVar variation 2970528 (VCV002970528.3), dbSNP rs778327226, ClinGen allele CA8718624.

ClinVar aggregate classification (germline): Uncertain significance (1 of 4 stars; one submission).

Conditions:
Oligodontia-cancer predisposition syndrome. Also called: TOOTH AGENESIS-COLORECTAL CANCER SYNDROME. Identifiers: Orphanet 300576, MedGen C1837750, MONDO:0012075, OMIM 608615. Disease mechanism: loss of function.

Allele frequency attached by ClinVar (database versions not stated): ExAC 0.00002.
gnomAD v4.1: 2 of 1,613,752 alleles (0.00012%); highest among the groups gnomAD compares: Admixed American, 0.0017%; no homozygotes.

Submission:

Labcorp Genetics (formerly Invitae), Labcorp
Classification: Uncertain significance for Oligodontia-cancer predisposition syndrome. Last evaluated: 2022-12-30. Review status: criteria provided, single submitter. Criteria: Invitae Variant Classification Sherloc (09022015). Collection method: clinical testing. Allele origin: germline.
Comment: This variant is present in population databases (rs778327226, gnomAD 0.003%). This sequence change replaces glutamine, which is neutral and polar, with arginine, which is basic and polar, at codon 509 of the AXIN2 protein (p.Gln509Arg). In summary, the available evidence is currently insufficient to determine the role of this variant in disease. Therefore, it has been classified as a Variant of Uncertain Significance. Advanced modeling of protein sequence and biophysical properties (such as structural, functional, and spatial information, amino acid conservation, physicochemical variation, residue mobility, and thermodynamic stability) performed at Invitae indicates that this missense variant is not expected to disrupt AXIN2 protein function. This variant has not been reported in the literature in individuals affected with AXIN2-related conditions.